The following is an entry in ClinVar:

NM_000552.5(VWF):c.6099C>T (p.Tyr2033=)

Gene: VWF (von Willebrand factor; minus strand). Cytogenetic location: 12p13.31.
Variant type: single nucleotide variant.
Coding change: c.6099C>T on transcript NM_000552.5 (MANE Select); coding-DNA position 6099, C replaced by T.
Protein change: p.Tyr2033=; no amino-acid change (tyrosine 2033 retained).
Molecular consequence: synonymous variant.
Genome position (GRCh38, 1-based): chr12:5,994,572, G>A on the plus strand (C>T on the coding strand, the complement: VWF is on the minus strand). VCF-style: chr12-5994572-G-A. GRCh37 (hg19) VCF-style: chr12-6103738-G-A.
Other names: p.Tyr2033=.
Identifiers: ClinVar variation 256689 (VCV000256689.33), dbSNP rs55784921, ClinGen allele CA6402073.

ClinVar aggregate classification (germline): Likely benign. Review status: criteria provided, multiple submitters, no conflicts (2 of 4 stars). 10 submissions from 10 submitters: Likely benign (8). 2 of the submissions do not count toward it. Last evaluated 2025-06-24.

Allele frequency attached by ClinVar (database versions not stated): 1000 Genomes Project 30x 0.00078; 1000 Genomes Project 0.00080; gnomAD 0.00129 and 0.00132; ESP Exome Variant Server 0.00131; TOPMed 0.00139; ExAC 0.00142; gnomAD exomes 0.00143 and 0.00226.
gnomAD v4.1: 3,467 of 1,613,926 alleles (0.21%); highest among the groups gnomAD compares: Non-Finnish European, 0.27%; 6 homozygotes.

Submissions (10):

ARUP Laboratories, Molecular Genetics and Genomics, ARUP Laboratories
Classification: Likely benign. Last evaluated: 2025-06-24. Review status: criteria provided, single submitter. Criteria: ARUP Molecular Germline Variant Investigation Process 2024. Collection method: clinical testing. Allele origin: germline.

Blueprint Genetics
Classification: Likely benign. Last evaluated: 2024-10-15. Review status: criteria provided, single submitter. Criteria: ACMG Guidelines, 2015. Collection method: clinical testing. Allele origin: germline.

CeGaT Center for Human Genetics Tuebingen
Classification: Likely benign. Last evaluated: 2024-03-01. Review status: criteria provided, single submitter. Criteria: CeGaT Center For Human Genetics Tuebingen Variant Classification Criteria Version 2. Collection method: clinical testing. Allele origin: germline. Affected: yes. Observed: 1 variant allele.
Comment: VWF: BP4, BP7

Women's Health and Genetics/Laboratory Corporation of America, LabCorp
Classification: Likely benign. Last evaluated: 2023-04-14. Review status: criteria provided, single submitter. Criteria: LabCorp Variant Classification Summary - May 2015. Collection method: clinical testing. Allele origin: germline.

Quest Diagnostics Nichols Institute San Juan Capistrano
Classification: Likely benign. Last evaluated: 2019-12-17. Review status: criteria provided, single submitter. Criteria: Quest Diagnostics criteria. Collection method: clinical testing. Allele origin: unknown.

Mayo Clinic Laboratories, Mayo Clinic
Classification: Likely benign. Last evaluated: 2016-08-04. Review status: criteria provided, single submitter. Criteria: ACMG Guidelines, 2015. Collection method: clinical testing. Allele origin: germline. Observed: 4 variant alleles.

Breakthrough Genomics
Classification: Likely benign. Review status: criteria provided, single submitter. Criteria: ACMG Guidelines, 2015. Collection method: not provided. Allele origin: germline. Inheritance: Autosomal recessive inheritance. Affected: yes.

PreventionGenetics, part of Exact Sciences
Classification: Likely benign. Review status: criteria provided, single submitter. Criteria: ACMG Guidelines, 2015. Collection method: clinical testing. Allele origin: germline.

Clinical Genetics DNA and cytogenetics Diagnostics Lab, Erasmus MC, Erasmus Medical Center
Classification: Likely benign. Review status: no assertion criteria provided. Collection method: clinical testing. Allele origin: germline. Affected: yes. Study: VKGL Data-share Consensus. Not counted in ClinVar's aggregate classification.

Joint Genome Diagnostic Labs from Nijmegen and Maastricht, Radboudumc and MUMC+
Classification: Likely benign. Review status: no assertion criteria provided. Collection method: clinical testing. Allele origin: germline. Affected: yes. Study: VKGL Data-share Consensus. Not counted in ClinVar's aggregate classification.

Literature cited by the submitters: PubMed 31249928 (cited by Quest Diagnostics Nichols Institute San Juan Capistrano).